The following is an entry in ClinVar:

ClinVar aggregate classification (germline): Uncertain significance (1 of 4 stars; one submission).

Conditions:
Early-infantile DEE. Also called: Ohtahara syndrome; Early infantile epileptic encephalopathy with suppression bursts; Early infantile epileptic encephalopathy. Identifiers: Orphanet 1934, MedGen C0393706, MONDO:0800491.

Submission:

Labcorp Genetics (formerly Invitae), Labcorp
Classification: Uncertain significance for Early-infantile DEE. Last evaluated: 2023-12-17. Review status: criteria provided, single submitter. Criteria: Invitae Variant Classification Sherloc (09022015). Collection method: clinical testing. Allele origin: germline.
Comment: This sequence change replaces serine, which is neutral and polar, with asparagine, which is neutral and polar, at codon 1546 of the SCN1A protein (p.Ser1546Asn). This variant is not present in population databases (gnomAD no frequency). This variant has not been reported in the literature in individuals affected with SCN1A-related conditions. Advanced modeling of protein sequence and biophysical properties (such as structural, functional, and spatial information, amino acid conservation, physicochemical variation, residue mobility, and thermodynamic stability) has been performed at Invitae for this missense variant, however the output from this modeling did not meet the statistical confidence thresholds required to predict the impact of this variant on SCN1A protein function. In summary, the available evidence is currently insufficient to determine the role of this variant in disease. Therefore, it has been classified as a Variant of Uncertain Significance.

NM_001165963.4(SCN1A):c.4637G>A (p.Ser1546Asn)

Genes: SCN1A (sodium voltage-gated channel alpha subunit 1; minus strand), LOC102724058 (uncharacterized LOC102724058; plus strand). Cytogenetic location: 2q24.3.
Variant type: single nucleotide variant.
Coding change: c.4637G>A on transcript NM_001165963.4 (MANE Select); coding-DNA position 4637, G replaced by A.
Protein change: p.Ser1546Asn; replaces serine 1546 with asparagine.
Molecular consequence: missense variant. On other transcripts: non-coding transcript variant (1).
Genome position (GRCh38, 1-based): chr2:165,994,361, C>T on the plus strand (G>A on the coding strand, the complement: SCN1A is on the minus strand). VCF-style: chr2-165994361-C-T. GRCh37 (hg19) VCF-style: chr2-166850871-C-T.
Other names: c.4553G>A, p.Ser1518Asn (NM_001165964.3, NM_001353957.2, NM_001353958.2); c.4550G>A, p.Ser1517Asn (NM_001353960.2); c.2195G>A, p.Ser732Asn (NM_001353961.2); c.4604G>A, p.Ser1535Asn (NM_006920.6, NM_001353949.2, NM_001353950.2 and 2 more transcripts); c.4637G>A, p.Ser1546Asn (NM_001202435.3, NM_001353948.2); c.4601G>A, p.Ser1534Asn (NM_001353954.2, NM_001353955.2); short protein forms S1535N, S732N, S1518N, S1534N, S1517N, S1546N.
Identifiers: ClinVar variation 2703653 (VCV002703653.3), dbSNP rs2468361178, ClinGen allele CA349072261.
Genomic context (GRCh38, chr2:165,994,361, plus strand): 5'-CTCTGGTCATCTGTTTCCACCATCATTGTGACCATGTTAAGACAGATGAGAATCATGATG[C>T]TTATGTCAAAAACTTGTCTGGTTACGAAGTCAAAGACCATTCCTTGAAATTTGTTCTGTA-3'
Protein context (NP_001159435.1, residues 1536-1556): DFVTRQVFDI[Ser1546Asn]IMILICLNMV